The following is an entry in ClinVar:

ClinVar aggregate classification (germline): Uncertain significance. Review status: criteria provided, multiple submitters, no conflicts (2 of 4 stars). 2 submissions from 2 submitters: Uncertain significance (2). Last evaluated 2025-12-16.

Allele frequency attached by ClinVar (database versions not stated): gnomAD exomes 0.00002; ExAC 0.00003; gnomAD 0.00009; TOPMed 0.00009; 1000 Genomes Project 0.00020; 1000 Genomes Project 30x 0.00031.
gnomAD v4.1: 41 of 1,614,192 alleles (0.0025%); highest among the groups gnomAD compares: African/African-American, 0.021%; no homozygotes.

Submissions (2):

Labcorp Genetics (formerly Invitae), Labcorp
Classification: Uncertain significance. Last evaluated: 2025-12-16. Review status: criteria provided, single submitter. Criteria: Invitae Variant Classification Sherloc (09022015). Collection method: clinical testing. Allele origin: germline.
Comment: This sequence change replaces arginine, which is basic and polar, with glutamine, which is neutral and polar, at codon 346 of the IRF4 protein (p.Arg346Gln). This variant is present in population databases (rs199596593, gnomAD 0.02%). This variant has not been reported in the literature in individuals affected with IRF4-related conditions. ClinVar contains an entry for this variant (Variation ID: 1419505). An algorithm developed to predict the effect of missense changes on protein structure and function (PolyPhen-2) suggests that this variant is likely to be disruptive. In summary, the available evidence is currently insufficient to determine the role of this variant in disease. Therefore, it has been classified as a Variant of Uncertain Significance.

Ambry Genetics
Classification: Uncertain significance. Last evaluated: 2025-04-01. Review status: criteria provided, single submitter. Criteria: Ambry Variant Classification Scheme 2023. Collection method: clinical testing. Allele origin: germline.

NM_002460.4(IRF4):c.1037G>A (p.Arg346Gln)

Gene: IRF4 (interferon regulatory factor 4; plus strand). Cytogenetic location: 6p25.3.
Variant type: single nucleotide variant.
Coding change: c.1037G>A on transcript NM_002460.4 (MANE Select); coding-DNA position 1037, G replaced by A.
Protein change: p.Arg346Gln; replaces arginine 346 with glutamine.
Molecular consequence: missense variant. On other transcripts: non-coding transcript variant (1).
Genome position (GRCh38, 1-based): chr6:401,715, G>A. VCF-style: chr6-401715-G-A. GRCh37 (hg19) VCF-style: chr6-401715-G-A.
Other names: c.1037G>A (NM_002460.3); c.1034G>A, p.Arg345Gln (NM_001195286.2); short protein forms R346Q, R345Q.
Identifiers: ClinVar variation 1419505 (VCV001419505.9), dbSNP rs199596593, ClinGen allele CA3612857.